The following is an entry in ClinVar:

ClinVar aggregate classification (germline): Pathogenic (0 of 4 stars; one submission).

Conditions:
Steinert myotonic dystrophy syndrome (DM1). Also called: STEINERT DISEASE; Myotonic dystrophy type 1; Dystrophia myotonica type 1; Steinert myotonic dystrophy; Steinert's disease. Identifiers: Orphanet 273, MedGen C3250443, MONDO:0008056, OMIM 160900.

Submission:

Institute of Molecular, Cell and Systems Biology, University of Glasgow
Classification: Pathogenic for Steinert myotonic dystrophy syndrome. Review status: no assertion criteria provided. Criteria: research. Collection method: research. Allele origin: germline. Inheritance: Autosomal dominant inheritance. Affected: yes. Observed: 1 heterozygote.
Comment: DMPK CTG repeat expansions greater than approximately 45-50 repeats are assumed to be pathogenic

This record is based on data published in PubMed 25052313, which reports only ClinVar accessions SCV000120188 and SCV000120189. The complete data set includes SCV000207445 - SCV000207579.

Literature cited by the submitters: PubMed 1346923; PubMed 1546326; PubMed 25052313.

NM_004409.5(DMPK):c.*224CTG[586]

Genes: DM1-AS (DM1 locus antisense RNA; plus strand), DMPK (DM1 protein kinase; minus strand), LOC107075317 (origin of replication in DMPK trinucleotide repeat region; plus strand), LOC109461477 (dystrophia myotonica protein kinase repeat instability region; plus strand). Cytogenetic location: 19q13.32.
Variant type: Microsatellite.
Coding change: c.*224CTG[586] on transcript NM_004409.5 (MANE Select); 586 copies in a row of the 3-base unit CTG starting at c.*224.
Molecular consequence: 3 prime UTR variant.
Genome position: GRCh38, VCF-style position (the base before the change): chr19:45,770,204. GRCh37 (hg19), VCF-style position (the base before the change): chr19:46,273,462.
Other names: DM1 CTG repeat expansion; c.*369CTG[586] (NM_001288766.2, NM_001424164.1, NM_001424168.1); c.*217CTG[586] (NM_001424162.1, NM_001424163.1, NM_001424166.1 and 2 more transcripts); c.*224CTG[586] (NM_001424165.1, NM_001424169.1, NM_001081560.3 and 1 more transcripts); c.*222_*224TGC[586] (NM_001081563.3).
Identifiers: ClinVar variation 188008 (VCV000188008.2), ClinGen allele CA915951834.